The following is an entry in ClinVar:

NM_000108.5(DLD):c.685G>T (p.Gly229Cys)

Gene: DLD (dihydrolipoamide dehydrogenase; plus strand). Cytogenetic location: 7q31.1.
Variant type: single nucleotide variant.
Coding change: c.685G>T on transcript NM_000108.5 (MANE Select); coding-DNA position 685, G replaced by T.
Protein change: p.Gly229Cys; replaces glycine 229 with cysteine.
Molecular consequence: missense variant.
Genome position (GRCh38, 1-based): chr7:107,915,506, G>T. VCF-style: chr7-107915506-G-T. GRCh37 (hg19) VCF-style: chr7-107555951-G-T.
Other names: p.G229C:GGT>TGT; c.388G>T, p.Gly130Cys (NM_001289750.1); c.616G>T, p.Gly206Cys (NM_001289751.1); c.541G>T, p.Gly181Cys (NM_001289752.1); short protein forms G229C, G181C, G130C, G206C.
Identifiers: ClinVar variation 11966 (VCV000011966.75), dbSNP rs121964990, ClinGen allele CA312461.

ClinVar aggregate classification (germline): Pathogenic/Likely pathogenic. Review status: criteria provided, multiple submitters, no conflicts (2 of 4 stars). 32 submissions from 32 submitters: Pathogenic (26); Likely pathogenic (1). 5 of the submissions do not count toward it. Last evaluated 2026-10-16.

Conditions:
DLD-related disorder. Also called: DLD-related disorders; DLD-related condition.
Inborn genetic diseases. Identifiers: MedGen C0950123, MeSH D030342.
Pyruvate dehydrogenase E3 deficiency (DLDD). Also called: MAPLE SYRUP URINE DISEASE, TYPE III; Lipoamide dehydrogenase deficiency; Lipoamide dehydrogenase deficiency, lactic acidosis due to; Dihydrolipoamide Dehydrogenase (E3) Deficiency; Dihydrolipoamide Dehydrogenase Deficiency; E3 DEFICIENCY. Identifiers: Orphanet 2394, Orphanet 765, MedGen C5574660, MONDO:0009529, OMIM 246900.

Allele frequency attached by ClinVar (database versions not stated): gnomAD 0.00016; TOPMed 0.00017; ExAC 0.00026.
gnomAD v4.1: 225 of 1,613,460 alleles (0.014%); highest among the groups gnomAD compares: Middle Eastern, 0.12%; 1 homozygote.

Submissions 1 to 10 of 33:

GeneDx
Classification: Pathogenic. Last evaluated: 2026-10-16. Review status: criteria provided, single submitter. Criteria: GeneDx Variant Classification Process June 2021. Collection method: clinical testing. Allele origin: germline.
Comment: Reported carrier frequency of 1 in 94 in the Ashkenazi Jewish population (PMID: 9934985); Functional studies of the p.(G229C) variant showed a decrease in the mitochondrial respiratory function relative to wild-type (PMID: 21930696); In silico analysis supports that this missense variant has a deleterious effect on protein structure/function; This variant is associated with the following publications: (PMID: 24012808, 25333069, 25885067, 9934985, 20672374, 17404228, 10448086, 8968745, 30487145, 34745891, 35379322, 21558426, 25356417, 23995961, 27544700, 37701333, 16601893, 14765544, 24516753, 16770810, 15712224, 12925875, 9764998, 30264509, 23290025, 23478190, 31334547, 31980526, 39286960, 41056947, 31589614, 33083013, 32778825, 34023347, 21930696, 39040027, 37976411, 39802097, 38523675, 39987041, 39544687)

Ambry Genetics
Classification: Pathogenic for Inborn genetic diseases. Last evaluated: 2026-03-16. Review status: criteria provided, single submitter. Criteria: Ambry Variant Classification Scheme 2023. Collection method: clinical testing. Allele origin: germline.
Comment: The c.685G>T (p.G229C) alteration is located in coding exon 9 of the DLD gene. This alteration results from a G to T substitution at nucleotide position 685, causing the glycine (G) at amino acid position 229 to be replaced by a cysteine (C). Based on data from gnomAD, the T allele has an overall frequency of 0.031% (87/282598) total alleles studied. The highest observed frequency was 0.656% (68/10360) of Ashkenazi Jewish alleles. This variant has been identified in the homozygous state and/or in conjunction with other DLD variant(s) in individual(s) with features consistent with dihydrolipoamide dehydrogenase deficiency; in at least one instance, the variants were identified in trans (Shaag, 1999; Hong, 2003; Sansaricq, 2006; Cameron, 2006; Scott, 2010; Brassier, 2013; Alfarsi, 2021; Wongkittichote, 2023; Pode-Shakked, 2024). In addition, it segregated with disease in at least one family (Brassier, 2013). Note, this variant is also referred to as G194C in the literature. This amino acid position is highly conserved in available vertebrate species. This alteration is predicted to be deleterious by in silico analysis. Based on the available evidence, this alteration is classified as pathogenic.

Genetics and Genomic Medicine Centre, NeuroGen Healthcare, NeuroGen Healthcare
Classification: Likely pathogenic for Pyruvate dehydrogenase E3 deficiency. Last evaluated: 2026-02-17. Review status: criteria provided, single submitter. Criteria: ACMG Guidelines, 2015. Collection method: clinical testing. Allele origin: unknown. Affected: yes.

Labcorp Genetics (formerly Invitae), Labcorp
Classification: Pathogenic for Pyruvate dehydrogenase E3 deficiency. Last evaluated: 2026-01-09. Review status: criteria provided, single submitter. Criteria: Invitae Variant Classification Sherloc (09022015). Collection method: clinical testing. Allele origin: germline.
Comment: This sequence change replaces glycine, which is neutral and non-polar, with cysteine, which is neutral and slightly polar, at codon 229 of the DLD protein (p.Gly229Cys). This variant is present in population databases (rs121964990, gnomAD 0.6%). This missense change has been observed in individuals with dihydrolipoamide dehydrogenase deficiency (PMID: 21558426, 21930696, 23478190). It has also been observed to segregate with disease in related individuals. This variant is also known as Gly194Cys. ClinVar contains an entry for this variant (Variation ID: 11966). Invitae Evidence Modeling of protein sequence and biophysical properties (such as structural, functional, and spatial information, amino acid conservation, physicochemical variation, residue mobility, and thermodynamic stability) indicates that this missense variant is expected to disrupt DLD protein function with a positive predictive value of 95%. Experimental studies have shown that this missense change affects DLD function (PMID: 21558426, 21930696). For these reasons, this variant has been classified as Pathogenic.

Natera, Inc.
Classification: Pathogenic for Maple syrup urine disease type 3. Last evaluated: 2025-11-18. Review status: criteria provided, single submitter. Criteria: Natera Variant Classification Schema (03/2026). Collection method: clinical testing. Allele origin: germline.
Comment: The c.685G>T variant in DLD is a missense variant predicted to cause substitution of glycine to cysteine at amino acid 229. This variant has been observed in one or more individuals affected with the associated recessive disease, as either homozygous or compound heterozygous with a second variant (PMID: 9934985). Additionally, this variant has been observed to segregate in affected family members (PMID: 9934985). Functional studies show that this variant may disrupt protein function (PMID: 9934985). Given the available evidence, this variant is classified as Pathogenic.

First Genomix Gene Laboratory, Genetic Diagnostics Department
Classification: Pathogenic for Pyruvate dehydrogenase E3 deficiency. Last evaluated: 2025-05-01. Review status: criteria provided, single submitter. Criteria: ACMG Guidelines, 2015. Collection method: clinical testing. Allele origin: germline. Inheritance: Autosomal recessive inheritance. Affected: no. Observed: 1 variant allele.

Rady Children's Institute for Genomic Medicine, Rady Children's Hospital San Diego
Classification: Pathogenic for Dihydrolipoamide dehydrogenase deficiency. Last evaluated: 2025-03-12. Review status: criteria provided, single submitter. Criteria: ACMG Guidelines, 2015. Collection method: clinical testing. Allele origin: germline. Affected: yes.
Comment: This variant is also referred to as Gly194Cys (G194C) in the literature (PMID: 9934985). The c.685G>T (p.Gly229Cys) variant affects a highly conserved amino acid and is predicted by multiple in silico tools to have a deleterious effect on protein function. This variant has been previously reported as homozygous or compound heterozygous in multiple patients with dihydrolipoamide dehydrogenase deficiency (PMID: 9934985, 23478190, 23995961). Patients homozygous for the p.Gly229Cys variant showed decreased E3 protein levels and enzyme activity compared to normal controls, while in vitro studies demonstrated a significant increase in reactive oxygen species (ROS) generation (PMID: 9934985, 14765544, 21558426, 21930696). The c.685G>T (p.Gly229Cys) variant is present in the latest version of the gnomAD population database at an allele frequency of 0.01% (225/1613460), including 1 homozygous individual. The gnomAD allele frequency in the Ashkenazi Jewish population is 0.5% (151/29598), suggesting a founder effect (PMID: 9934985). Based on the available evidence, c.685G>T (p.Gly229Cys) is classified as Pathogenic.

Department of Medicine, Jordan University of Science and Technology
Classification: Pathogenic for Pyruvate dehydrogenase E3 deficiency. Last evaluated: 2025-03-11. Review status: criteria provided, single submitter. Criteria: ACMG Guidelines, 2015. Collection method: clinical testing. Allele origin: germline. Affected: yes. Observed: 1 variant allele.
Comment: Pathogenic for DLD deficiency (OMIM:246900). The variant NM_000108.5:c.685G>T has been reported in individuals affected with dihydrolipoamide dehydrogenase deficiency and is associated with a phenotype consistent with the disorder. Classification was based on the published literature cited in this submission together with the clinical and molecular findings observed in the patient.

3billion
Classification: Pathogenic for Pyruvate dehydrogenase E3 deficiency. Last evaluated: 2024-11-25. Review status: criteria provided, single submitter. Criteria: ACMG Guidelines, 2015. Collection method: clinical testing. Allele origin: germline. Affected: yes.
Comment: The variant is observed at an extremely low frequency in the gnomAD v4.1.0 dataset (total allele frequency: 0.014%). Predicted Consequence/Location: Missense variant. The majority of the known disease-causing variants of this gene are variants expected to result in premature termination of the protein. Functional studies provide strong evidence of the variant having a damaging effect on the gene or gene product (PMID: 21930696). In silico tool predictions suggest damaging effect of the variant on gene or gene product [REVEL: 0.68 (>=0.6, sensitivity 0.68 and specificity 0.92)]. The same nucleotide change resulting in the same amino acid change has been previously reported as pathogenic/likely pathogenic with strong evidence (ClinVar ID: VCV000011966 /PMID: 9934985 /3billion dataset). Therefore, this variant is classified as Pathogenic according to the recommendation of ACMG/AMP guideline.

Blueprint Genetics
Classification: Pathogenic for DLD-related disorders. Last evaluated: 2024-10-16. Review status: criteria provided, single submitter. Criteria: ACMG Guidelines, 2015. Collection method: clinical testing. Allele origin: germline. Affected: yes. Observed: 5 variant alleles.